The following is an entry in ClinVar:

ClinVar aggregate classification (germline): Uncertain significance (1 of 4 stars; one submission).

Submission:

Labcorp Genetics (formerly Invitae), Labcorp
Classification: Uncertain significance. Last evaluated: 2022-09-03. Review status: criteria provided, single submitter. Criteria: Invitae Variant Classification Sherloc (09022015). Collection method: clinical testing. Allele origin: germline.
Comment: In summary, the available evidence is currently insufficient to determine the role of this variant in disease. Therefore, it has been classified as a Variant of Uncertain Significance. Experimental studies and prediction algorithms are not available or were not evaluated, and the functional significance of this variant is currently unknown. This variant has not been reported in the literature in individuals affected with RUNX2-related conditions. This variant is not present in population databases (gnomAD no frequency). This variant, c.174_179del, results in the deletion of 2 amino acid(s) of the RUNX2 protein (p.Gln70_Gln71del), but otherwise preserves the integrity of the reading frame.

NM_001024630.4(RUNX2):c.174_179del (p.Gln70_Gln71del)

Genes: RUNX2 (RUNX family transcription factor 2; plus strand), LOC109611589 (runt related transcription factor 2 polyalanine expansion region; plus strand). Cytogenetic location: 6p21.1.
Variant type: Deletion.
Coding change: c.174_179del on transcript NM_001024630.4 (MANE Select); coding-DNA positions 174 to 179, 6 bases deleted (ACAGCA; older notation c.174_179delACAGCA).
Protein change: p.Gln70_Gln71del.
Molecular consequence: inframe deletion. On other transcripts: inframe indel (1).
Genome position (GRCh38, 1-based): chr6:45,422,708-45,422,713, ACAGCA deleted; deleting any 6 consecutive bases within chr6:45,422,703-45,422,713 gives the same sequence; the c. name uses the placement nearest the transcript's 3' end. VCF-style (leftmost placement, unchanged base first): chr6-45422702-GCAGCAA-G. GRCh37 (hg19) VCF-style: chr6-45390439-GCAGCAA-G.
Other names: c.174_179del, p.Gln70_Gln71del (NM_001015051.4); c.132_137del, p.Gln56_Gln57del (NM_001278478.2, NM_001369405.1); c.132_137delACAGCA, p.Gln56_Gln57del (NM_004348.3).
Identifiers: ClinVar variation 2028746 (VCV002028746.4), dbSNP rs2548581753, ClinGen allele CA2578634843.
Genomic context (GRCh38, chr6:45,422,702, plus strand): 5'-CGGCAAAATGAGCGACGTGAGCCCGGTGGTGGCTGCGCAACAGCAGCAGCAACAGCAGCA[GCAGCAA>G]CAGCAGCAGCAGCAGCAGCAACAGCAGCAGCAGCAGCAGGAGGCGGCGGCGGCGGCTGCG-3'